The following is an entry in ClinVar:

ClinVar aggregate classification (germline): Benign. Review status: criteria provided, multiple submitters, no conflicts (2 of 4 stars). 3 submissions from 3 submitters: Benign (3). Last evaluated 2024-01-24.

Allele frequency attached by ClinVar (database versions not stated): ESP Exome Variant Server 0.03584; gnomAD 0.05367 and 0.05821; TOPMed 0.06528; ExAC 0.08235; gnomAD exomes 0.09048; 1000 Genomes Project 30x 0.09197; 1000 Genomes Project 0.09205.
gnomAD v4.1: 95,609 of 1,607,790 alleles (5.9%); highest among the groups gnomAD compares: Admixed American, 25%; 5,232 homozygotes.

Submissions (3):

Unidad de Genómica Garrahan, Hospital de Pediatría Garrahan
Classification: Benign. Last evaluated: 2024-01-24. Review status: criteria provided, single submitter. Criteria: ACMG Guidelines, 2015. Collection method: clinical testing. Allele origin: germline. Affected: no. Observed: 45 variant alleles.
Comment: This variant is classified as Benign based on local population frequency. This variant was detected in 47% of patients studied by a panel of primary immunodeficiencies. Number of patients: 45. Only high quality variants are reported.

GeneDx
Classification: Benign. Last evaluated: 2021-05-18. Review status: criteria provided, single submitter. Criteria: GeneDx Variant Classification Process June 2021. Collection method: clinical testing. Allele origin: germline. Affected: yes.

Breakthrough Genomics
Classification: Benign. Review status: criteria provided, single submitter. Criteria: ACMG Guidelines, 2015. Collection method: not provided. Allele origin: germline. Inheritance: Unknown mechanism. Affected: yes.

NM_001323329.2(MAPK8):c.311+37A>G

Gene: MAPK8 (mitogen-activated protein kinase 8; plus strand). Cytogenetic location: 10q11.22.
Variant type: single nucleotide variant.
Coding change: c.311+37A>G on transcript NM_001323329.2 (MANE Select); 37 bases into the intron after coding-DNA position 311, A replaced by G.
Molecular consequence: intron variant.
Genome position (GRCh38, 1-based): chr10:48,409,974, A>G. VCF-style: chr10-48409974-A-G. GRCh37 (hg19) VCF-style: chr10-49618017-A-G.
Other names: c.311+37A>G (NM_001323302.2, NM_139049.4, NM_139046.4 and 13 more transcripts).
Identifiers: ClinVar variation 1259128 (VCV001259128.5), dbSNP rs3730158, ClinGen allele CA5490734.